The following is an entry in ClinVar:

NM_000094.4(COL7A1):c.1501C>T (p.Pro501Ser)

Gene: COL7A1 (collagen type VII alpha 1 chain; minus strand). Cytogenetic location: 3p21.31.
Variant type: single nucleotide variant.
Coding change: c.1501C>T on transcript NM_000094.4 (MANE Select); coding-DNA position 1501, C replaced by T.
Protein change: p.Pro501Ser; replaces proline 501 with serine.
Molecular consequence: missense variant.
Genome position (GRCh38, 1-based): chr3:48,591,679, G>A on the plus strand (C>T on the coding strand, the complement: COL7A1 is on the minus strand). VCF-style: chr3-48591679-G-A. GRCh37 (hg19) VCF-style: chr3-48629112-G-A.
Other names: short protein forms P501S.
Identifiers: ClinVar variation 4748919 (VCV004748919.1).
Genomic context (GRCh38, chr3:48,591,679, plus strand): 5'-GCCTGGGGCTCCGACACCTCCCCCACTCACTGGCCCAGCCCACAGAGCCCTCACCAGTGG[G>A]AACCACGGTTGCAGGGGTGGCCACCTCGTGGCCCTCCAGCAGAGTGTAGAGTGTGAGGCG-3'
Protein context (NP_000085.1, residues 491-511): HEVATPATVV[Pro501Ser]TGPELPVSPV

ClinVar aggregate classification (germline): Uncertain significance (1 of 4 stars; one submission).

gnomAD v4.1: 3 of 1,614,064 alleles (0.00019%); no homozygotes.

Submission:

Labcorp Genetics (formerly Invitae), Labcorp
Classification: Uncertain significance. Last evaluated: 2025-03-29. Review status: criteria provided, single submitter. Criteria: Invitae Variant Classification Sherloc (09022015). Collection method: clinical testing. Allele origin: germline.
Comment: This sequence change replaces proline, which is neutral and non-polar, with serine, which is neutral and polar, at codon 501 of the COL7A1 protein (p.Pro501Ser). This variant is present in population databases (no rsID available, gnomAD 0.0009%). This variant has not been reported in the literature in individuals affected with COL7A1-related conditions. Invitae Evidence Modeling of protein sequence and biophysical properties (such as structural, functional, and spatial information, amino acid conservation, physicochemical variation, residue mobility, and thermodynamic stability) indicates that this missense variant is not expected to disrupt COL7A1 protein function with a negative predictive value of 95%. In summary, the available evidence is currently insufficient to determine the role of this variant in disease. Therefore, it has been classified as a Variant of Uncertain Significance.